The following is an entry in ClinVar:

ClinVar aggregate classification (germline): Uncertain significance (1 of 4 stars; one submission).

Submission:

Ambry Genetics
Classification: Uncertain significance. Last evaluated: 2025-05-21. Review status: criteria provided, single submitter. Criteria: Ambry Variant Classification Scheme 2023. Collection method: clinical testing. Allele origin: germline.
Comment: The p.I27V variant (also known as c.79A>G), located in coding exon 1 of the PALLD gene, results from an A to G substitution at nucleotide position 79. The isoleucine at codon 27 is replaced by valine, an amino acid with highly similar properties. This amino acid position is conserved. In addition, this alteration is predicted to be tolerated by in silico analysis. Based on the available evidence, the clinical significance of this variant remains unclear.

NM_001166108.2(PALLD):c.1965-12952A>G

Gene: PALLD (palladin, cytoskeletal associated protein; plus strand). Cytogenetic location: 4q32.3.
Variant type: single nucleotide variant.
Coding change: c.1965-12952A>G on transcript NM_001166108.2 (MANE Select); 12952 bases into the intron before coding-DNA position 1965, A replaced by G.
Molecular consequence: intron variant. On other transcripts: missense variant (1).
Genome position (GRCh38, 1-based): chr4:168,877,970, A>G. VCF-style: chr4-168877970-A-G. GRCh37 (hg19) VCF-style: chr4-169799121-A-G.
Other names: c.79A>G, p.Ile27Val (NM_001166110.2); c.1965-12952A>G (NM_016081.4); c.819-12952A>G (NM_001166109.2); c.-157-12952A>G (NM_001367570.1, NM_001367568.1, NM_001367567.1 and 1 more transcripts); short protein forms I27V.
Identifiers: ClinVar variation 3927555 (VCV003927555.1).